The following is an entry in ClinVar:

NM_002519.3(NPAT):c.823A>G (p.Asn275Asp)

Gene: NPAT (nuclear protein, coactivator of histone transcription; minus strand). Cytogenetic location: 11q22.3.
Variant type: single nucleotide variant.
Coding change: c.823A>G on transcript NM_002519.3 (MANE Select); coding-DNA position 823, A replaced by G.
Protein change: p.Asn275Asp; replaces asparagine 275 with aspartic acid.
Molecular consequence: missense variant.
Genome position (GRCh38, 1-based): chr11:108,185,315, T>C on the plus strand (A>G on the coding strand, the complement: NPAT is on the minus strand). VCF-style: chr11-108185315-T-C. GRCh37 (hg19) VCF-style: chr11-108056042-T-C.
Other names: c.823A>G, p.Asn275Asp (NM_001321307.1); short protein forms N275D.
Identifiers: ClinVar variation 2562553 (VCV002562553.2), dbSNP rs2496737820, ClinGen allele CA382520348.
Genomic context (GRCh38, chr11:108,185,315, plus strand): 5'-TTGAAGTCTCTGGCTCCGTAGGGTTGTTATCTGTTTGCTTAGGTACTTGGGCAATATTGT[T>C]ATCACTGTTAATAAAGAAAGAAAAATCTTTATTATAGTTATGCAATTAGGCAAAAACAAT-3'
Protein context (NP_002510.2, residues 265-285): ENINKFLTSD[Asn275Asp]NIAQVPKQTD

ClinVar aggregate classification (germline): Uncertain significance (1 of 4 stars; one submission).

Submission:

Ambry Genetics
Classification: Uncertain significance. Last evaluated: 2023-06-10. Review status: criteria provided, single submitter. Criteria: Ambry Variant Classification Scheme 2023. Collection method: clinical testing. Allele origin: germline.
Comment: The p.N275D variant (also known as c.823A>G), located in coding exon 10 of the NPAT gene, results from an A to G substitution at nucleotide position 823. The asparagine at codon 275 is replaced by aspartic acid, an amino acid with highly similar properties. This amino acid position is conserved. In addition, this alteration is predicted to be tolerated by in silico analysis. Since supporting evidence is limited at this time, the clinical significance of this alteration remains unclear.